The following is an entry in ClinVar:

NM_015175.3(NBEAL2):c.2529C>G (p.Thr843=)

Gene: NBEAL2 (neurobeachin like 2; plus strand). Cytogenetic location: 3p21.31.
Variant type: single nucleotide variant.
Coding change: c.2529C>G on transcript NM_015175.3 (MANE Select); coding-DNA position 2529, C replaced by G.
Protein change: p.Thr843=; no amino-acid change (threonine 843 retained).
Molecular consequence: synonymous variant.
Genome position (GRCh38, 1-based): chr3:46,996,806, C>G. VCF-style: chr3-46996806-C-G. GRCh37 (hg19) VCF-style: chr3-47038296-C-G.
Other names: p.Thr843=; c.2427C>G, p.Thr809= (NM_001365116.2).
Identifiers: ClinVar variation 4684694 (VCV004684694.2).

ClinVar aggregate classification (germline): Likely benign. Review status: criteria provided, multiple submitters, no conflicts (2 of 4 stars). 2 submissions from 2 submitters: Likely benign (2). Last evaluated 2025-07-29.

gnomAD v4.1: 67 of 1,612,574 alleles (0.0042%); highest among the groups gnomAD compares: Non-Finnish European, 0.005%; no homozygotes.

Submissions (2):

Mayo Clinic Laboratories, Mayo Clinic
Classification: Likely benign. Last evaluated: 2025-07-29. Review status: criteria provided, single submitter. Criteria: ACMG Guidelines, 2015. Collection method: clinical testing. Allele origin: germline. Observed: 1 variant allele.
Comment: BP4, BP7

Blueprint Genetics
Classification: Likely benign. Last evaluated: 2024-04-17. Review status: criteria provided, single submitter. Criteria: ACMG Guidelines, 2015. Collection method: clinical testing. Allele origin: germline.